The following is an entry in ClinVar:

NM_000101.4(CYBA):c.77del (p.Ile26fs)

Gene: CYBA (cytochrome b-245 alpha chain; minus strand). Cytogenetic location: 16q24.2.
Variant type: Deletion.
Coding change: c.77del on transcript NM_000101.4 (MANE Select); coding-DNA position 77, one base deleted (T; older notation c.77delT).
Protein change: p.Ile26fs; shifts the reading frame from isoleucine 26.
Molecular consequence: frameshift variant.
Genome position (GRCh38, 1-based): chr16:88,648,096, A deleted on the plus strand (T on the coding strand, the reverse complement: CYBA is on the minus strand). VCF-style (leftmost placement, unchanged base first): chr16-88648095-GA-G. GRCh37 (hg19) VCF-style: chr16-88714503-GA-G.
Other names: c.77delT (NM_000101.3); short protein forms I26fs.
Identifiers: ClinVar variation 1459158 (VCV001459158.9), dbSNP rs1326361967, ClinGen allele CA624185301.

ClinVar aggregate classification (germline): Pathogenic/Likely pathogenic. Review status: criteria provided, multiple submitters, no conflicts (2 of 4 stars). 3 submissions from 3 submitters: Pathogenic (2); Likely pathogenic (1). Last evaluated 2025-02-06.

Conditions:
Granulomatous disease, chronic, autosomal recessive, cytochrome b-negative. Also called: CGD DUE TO DEFICIENCY OF THE ALPHA SUBUNIT OF CYTOCHROME b; CGD, AUTOSOMAL RECESSIVE CYTOCHROME b-NEGATIVE; GRANULOMATOUS DISEASE, CHRONIC, AUTOSOMAL RECESSIVE, 4; Chronic granulomatous disease, autosomal, due to deficiency of CYBA; CYBA DEFICIENCY. Identifiers: Orphanet 379, MedGen C1856255, MONDO:0009308, OMIM 233690.
Chronic granulomatous disease. Identifiers: Orphanet 379, MedGen C0018203, MONDO:0018305.

Allele frequency attached by ClinVar (database versions not stated): gnomAD 0.00001; gnomAD exomes below 0.00001; TOPMed 0.00001.

Submissions (3):

Natera, Inc.
Classification: Likely pathogenic for Chronic granulomatous disease. Last evaluated: 2025-02-06. Review status: criteria provided, single submitter. Criteria: Natera Variant Classification Schema (03/2026). Collection method: clinical testing. Allele origin: germline.
Comment: The c.77delT variant in CYBA is a frameshift variant predicted to shift the reading frame beginning at codon 26 and leads to a stop codon 48 codons downstream. This variant is expected to result in nonsense mediated decay, truncation, or a dysfunctional protein product. This variant is rare in the general population with a frequency below the threshold expected for the associated phenotype(s). Given the available evidence, this variant is classified as Likely Pathogenic.

Myriad Genetics, Inc.
Classification: Pathogenic for Granulomatous disease, chronic, autosomal recessive, cytochrome b-negative. Last evaluated: 2024-05-14. Review status: criteria provided, single submitter. Criteria: Myriad Autosomal Dominant, Autosomal Recessive and X-Linked Classification Criteria (2023). Collection method: clinical testing. Allele origin: unknown.
Comment: NM_000101.3(CYBA):c.77delT(I26Tfs*48) is expected to be pathogenic in the context of chronic granulomatous disease, CYBA-related. This variant is predicted to lead to an abnormal or absent protein product due to the creation of a premature termination codon in CYBA, a gene where loss-of-function variants are known to be pathogenic. Please note: this variant was assessed in the context of healthy population screening.

Labcorp Genetics (formerly Invitae), Labcorp
Classification: Pathogenic for Granulomatous disease, chronic, autosomal recessive, cytochrome b-negative. Last evaluated: 2023-12-22. Review status: criteria provided, single submitter. Criteria: Invitae Variant Classification Sherloc (09022015). Collection method: clinical testing. Allele origin: germline.
Comment: This sequence change creates a premature translational stop signal (p.Ile26Thrfs*48) in the CYBA gene. It is expected to result in an absent or disrupted protein product. Loss-of-function variants in CYBA are known to be pathogenic (PMID: 10910929, 20167518, 22876374). This variant is present in population databases (no rsID available, gnomAD 0.0009%). This premature translational stop signal has been observed in individual(s) with chronic granulomatous disease (PMID: 20167518). ClinVar contains an entry for this variant (Variation ID: 1459158). Algorithms developed to predict the effect of sequence changes on RNA splicing suggest that this variant may disrupt the consensus splice site. For these reasons, this variant has been classified as Pathogenic.

Literature cited by the submitters: PubMed 10910929 (cited by Labcorp Genetics (formerly Invitae), Labcorp); PubMed 20167518 (cited by Labcorp Genetics (formerly Invitae), Labcorp); PubMed 22876374 (cited by Labcorp Genetics (formerly Invitae), Labcorp).